The following is an entry in ClinVar:

NM_001382567.1(STIM1):c.2123A>G (p.Lys708Arg)

Gene: STIM1 (stromal interaction molecule 1; plus strand). Cytogenetic location: 11p15.4.
Variant type: single nucleotide variant.
Coding change: c.2123A>G on transcript NM_001382567.1 (MANE Select); coding-DNA position 2123, A replaced by G.
Protein change: p.Lys708Arg; replaces lysine 708 with arginine.
Molecular consequence: missense variant. On other transcripts: 3 prime UTR variant (4), non-coding transcript variant (3).
Genome position (GRCh38, 1-based): chr11:4,091,770, A>G. VCF-style: chr11-4091770-A-G. GRCh37 (hg19) VCF-style: chr11-4113000-A-G.
Other names: c.2348A>G, p.Lys783Arg (NM_001277961.3); c.*444A>G (NM_001277962.2, NM_001382578.1, NM_001382579.1 and 1 more transcripts); c.2126A>G, p.Lys709Arg (NM_001382566.1); c.2051A>G, p.Lys684Arg (NM_001382568.1); c.1895A>G, p.Lys632Arg (NM_001382569.1); c.1802A>G, p.Lys601Arg (NM_001382570.1); c.1550A>G, p.Lys517Arg (NM_001382571.1); c.1808A>G, p.Lys603Arg (NM_001382575.1, NM_001382576.1, NM_001382577.1); and 3 more; short protein forms K517R, K632R, K708R, K783R, K603R, K514R, K677R, K684R.
Identifiers: ClinVar variation 1423011 (VCV001423011.7), dbSNP rs2133266402, ClinGen allele CA379198423.

ClinVar aggregate classification (germline): Uncertain significance. Review status: criteria provided, multiple submitters, no conflicts (2 of 4 stars). 2 submissions from 2 submitters: Uncertain significance (2). Last evaluated 2024-08-13.

Conditions:
Stormorken syndrome (STRMK). Also called: THROMBOCYTOPATHY, ASPLENIA, AND MIOSIS. Identifiers: Orphanet 3204, MedGen C1861451, MONDO:0008497, OMIM 185070.
Combined immunodeficiency due to STIM1 deficiency. Also called: IMMUNODEFICIENCY 10; STIM1 DEFICIENCY. Identifiers: Orphanet 169090, Orphanet 317430, MedGen C2748557, MONDO:0013008, OMIM 612783.
Myopathy with tubular aggregates (TAM). Also called: Tubular Aggregate Myopathy. Identifiers: Orphanet 2593, MedGen C0410207, MONDO:0008051.

Allele frequency attached by ClinVar (database versions not stated): gnomAD exomes below 0.00001.
gnomAD v4.1: 1 of 1,608,796 alleles (0.000062%); highest among the groups gnomAD compares: Non-Finnish European, 0.000085%; no homozygotes.

Submissions (2):

Labcorp Genetics (formerly Invitae), Labcorp
Classification: Uncertain significance for Myopathy with tubular aggregates; Combined immunodeficiency due to STIM1 deficiency; Stormorken syndrome. Last evaluated: 2024-08-13. Review status: criteria provided, single submitter. Criteria: Invitae Variant Classification Sherloc (09022015). Collection method: clinical testing. Allele origin: germline.
Comment: This sequence change replaces lysine, which is basic and polar, with arginine, which is basic and polar, at codon 677 of the STIM1 protein (p.Lys677Arg). This variant is not present in population databases (gnomAD no frequency). This variant has not been reported in the literature in individuals affected with STIM1-related conditions. ClinVar contains an entry for this variant (Variation ID: 1423011). Advanced modeling of protein sequence and biophysical properties (such as structural, functional, and spatial information, amino acid conservation, physicochemical variation, residue mobility, and thermodynamic stability) has been performed at Invitae for this missense variant, however the output from this modeling did not meet the statistical confidence thresholds required to predict the impact of this variant on STIM1 protein function. In summary, the available evidence is currently insufficient to determine the role of this variant in disease. Therefore, it has been classified as a Variant of Uncertain Significance.

GeneDx
Classification: Uncertain significance. Last evaluated: 2023-06-22. Review status: criteria provided, single submitter. Criteria: GeneDx Variant Classification Process June 2021. Collection method: clinical testing. Allele origin: germline. Affected: yes.
Comment: Not observed at significant frequency in large population cohorts (gnomAD); In silico analysis supports that this missense variant does not alter protein structure/function; Has not been previously published as pathogenic or benign to our knowledge